The following is an entry in ClinVar:

NM_001136193.2(FASTKD2):c.1193A>T (p.Asp398Val)

Gene: FASTKD2 (FASTK mitochondrial RNA regulator 2; plus strand). Cytogenetic location: 2q33.3.
Variant type: single nucleotide variant.
Coding change: c.1193A>T on transcript NM_001136193.2 (MANE Select); coding-DNA position 1193, A replaced by T.
Protein change: p.Asp398Val; replaces aspartic acid 398 with valine.
Molecular consequence: missense variant.
Genome position (GRCh38, 1-based): chr2:206,772,259, A>T. VCF-style: chr2-206772259-A-T. GRCh37 (hg19) VCF-style: chr2-207636983-A-T.
Other names: c.1193A>T, p.Asp398Val (NM_001136194.2, NM_014929.4); short protein forms D398V.
Identifiers: ClinVar variation 449804 (VCV000449804.16), dbSNP rs140778319, ClinGen allele CA2075088.

ClinVar aggregate classification (germline): Conflicting classifications of pathogenicity. Review status: criteria provided, conflicting classifications (1 of 4 stars). 5 submissions from 5 submitters: Uncertain significance (4); Likely benign (1). Last evaluated 2026-09-03.

Conditions:
Combined oxidative phosphorylation deficiency 44. Also called: FASTKD2-Related Combined Oxidative Phosphorylation Deficiency. Identifiers: MedGen C5394293, MONDO:0030020, OMIM 618855.
Mitochondrial complex IV deficiency, nuclear type 1 (MC4DN1). Also called: Mitochondrial complex IV deficiency; Complex 4 mitochondrial respiratory chain deficiency; Deficiency of mitochondrial respiratory chain complex4; Complex IV deficiency; COX DEFICIENCY. Identifiers: MedGen C5435656, MONDO:0700250, OMIM 220110. Disease mechanism: loss of function.

Allele frequency attached by ClinVar (database versions not stated): gnomAD 0.00013 and 0.00014; 1000 Genomes Project 30x 0.00031; gnomAD exomes 0.00008 and 0.00018; ExAC 0.00014; 1000 Genomes Project 0.00020; TOPMed 0.00018.
gnomAD v4.1: 142 of 1,614,012 alleles (0.0088%); highest among the groups gnomAD compares: Admixed American, 0.08%; no homozygotes.

Submissions (5):

GeneDx
Classification: Uncertain significance. Last evaluated: 2026-09-03. Review status: criteria provided, single submitter. Criteria: GeneDx Variant Classification Process June 2021. Collection method: clinical testing. Allele origin: germline.
Comment: In silico analysis supports that this missense variant has a deleterious effect on protein structure/function; In silico analysis suggests this variant may impact gene splicing. In the absence of RNA/functional studies, the actual effect of this sequence change is unknown.; Has not been previously published as pathogenic or benign to our knowledge

Labcorp Genetics (formerly Invitae), Labcorp
Classification: Uncertain significance. Last evaluated: 2024-12-02. Review status: criteria provided, single submitter. Criteria: Invitae Variant Classification Sherloc (09022015). Collection method: clinical testing. Allele origin: germline.
Comment: This sequence change replaces aspartic acid, which is acidic and polar, with valine, which is neutral and non-polar, at codon 398 of the FASTKD2 protein (p.Asp398Val). This variant is present in population databases (rs140778319, gnomAD 0.1%). This variant has not been reported in the literature in individuals affected with FASTKD2-related conditions. ClinVar contains an entry for this variant (Variation ID: 449804). Invitae Evidence Modeling of protein sequence and biophysical properties (such as structural, functional, and spatial information, amino acid conservation, physicochemical variation, residue mobility, and thermodynamic stability) indicates that this missense variant is not expected to disrupt FASTKD2 protein function with a negative predictive value of 80%. Algorithms developed to predict the effect of sequence changes on RNA splicing suggest that this variant may create or strengthen a splice site. In summary, the available evidence is currently insufficient to determine the role of this variant in disease. Therefore, it has been classified as a Variant of Uncertain Significance.

3billion
Classification: Likely benign for Combined oxidative phosphorylation deficiency 44. Last evaluated: 2024-09-20. Review status: criteria provided, single submitter. Criteria: ACMG Guidelines, 2015. Collection method: clinical testing. Allele origin: germline. Affected: no.
Comment: The homozygous variant was found in patients diagnosed with another variant in a different gene, with no symptoms related to the gene containing the homozygous variant.

Fulgent Genetics
Classification: Uncertain significance for Combined oxidative phosphorylation deficiency 44. Last evaluated: 2024-04-10. Review status: criteria provided, single submitter. Criteria: ACMG Guidelines, 2015. Collection method: clinical testing. Allele origin: germline.

Illumina Laboratory Services, Illumina
Classification: Uncertain significance for Mitochondrial complex IV deficiency, nuclear type 1. Last evaluated: 2018-01-13. Review status: criteria provided, single submitter. Criteria: ICSL Variant Classification Criteria 13 December 2019. Collection method: clinical testing. Allele origin: germline.